The following is an entry in ClinVar:

NM_000059.4(BRCA2):c.4931A>C (p.Glu1644Ala)

Gene: BRCA2 (BRCA2 DNA repair associated; plus strand). Cytogenetic location: 13q13.1.
Variant type: single nucleotide variant.
Coding change: c.4931A>C on transcript NM_000059.4 (MANE Select); coding-DNA position 4931, A replaced by C.
Protein change: p.Glu1644Ala; replaces glutamic acid 1644 with alanine.
Molecular consequence: missense variant. On other transcripts: non-coding transcript variant (1), intron variant (2).
Genome position (GRCh38, 1-based): chr13:32,339,286, A>C. VCF-style: chr13-32339286-A-C. GRCh37 (hg19) VCF-style: chr13-32913423-A-C.
Other names: c.4931A>C, p.Glu1644Ala (NM_001406719.1, NM_001406720.1, NM_001432077.1); c.1910-5272A>C (NM_001406721.1); c.425-5272A>C (NM_001406722.1); short protein forms E1644A.
Identifiers: ClinVar variation 4856442 (VCV004856442.1).

ClinVar aggregate classification (germline): Likely benign (1 of 4 stars; one submission).

Conditions:
Breast-ovarian cancer, familial, susceptibility to, 2 (BROVCA2). Also called: BRCA2 Hereditary Breast and Ovarian Cancer. Identifiers: Orphanet 145, MedGen C2675520, MONDO:0012933, OMIM 612555. Disease mechanism: loss of function.

gnomAD v4.1: 1 of 1,606,826 alleles (0.000062%); highest among the groups gnomAD compares: South Asian, 0.0011%; no homozygotes.

Submission:

Cancer Bioinformatics and Tumour Evolution Laboratory, Monash University
Classification: Likely benign for Breast-ovarian cancer, familial, susceptibility to, 2. Last evaluated: 2026-05-01. Review status: criteria provided, single submitter. Criteria: ClinGen BRCA1 and BRCA2 Guidelines, 2024. Collection method: curation. Allele origin: germline. Inheritance: Autosomal dominant inheritance.
Comment: Missense variant outside of a functional domain with no splice impact. BRCA1 and BRCA2 VCEP guidelines recommend application of BP1_Strong (PMID: 39142283)